The following is an entry in ClinVar:

ClinVar aggregate classification (germline): Likely benign. Review status: criteria provided, multiple submitters, no conflicts (2 of 4 stars). 3 submissions from 3 submitters: Likely benign (3). Last evaluated 2025-02-12.

Conditions:
Dilated cardiomyopathy 1G (CMD1G). Identifiers: Orphanet 154, MedGen C1858763, MONDO:0011400, OMIM 604145.
Autosomal recessive limb-girdle muscular dystrophy type 2J (LGMDR10). Also called: Limb-girdle muscular dystrophy, type 2J; MUSCULAR DYSTROPHY, LIMB-GIRDLE, AUTOSOMAL RECESSIVE 10. Identifiers: Orphanet 140922, MedGen C1837342, MONDO:0012127, OMIM 608807.

Allele frequency attached by ClinVar (database versions not stated): ExAC below 0.00001; gnomAD 0.00001; gnomAD exomes 0.00001; TOPMed 0.00001.
gnomAD v4.1: 4 of 1,565,258 alleles (0.00026%); highest among the groups gnomAD compares: Non-Finnish European, 0.00035%; no homozygotes.

Submissions (3):

Labcorp Genetics (formerly Invitae), Labcorp
Classification: Likely benign for Dilated cardiomyopathy 1G; Autosomal recessive limb-girdle muscular dystrophy type 2J. Last evaluated: 2025-02-12. Review status: criteria provided, single submitter. Criteria: Invitae Variant Classification Sherloc (09022015). Collection method: clinical testing. Allele origin: germline.

Blueprint Genetics
Classification: Likely benign. Last evaluated: 2024-03-20. Review status: criteria provided, single submitter. Criteria: ACMG Guidelines, 2015. Collection method: clinical testing. Allele origin: germline.

GeneDx
Classification: Likely benign. Last evaluated: 2018-04-25. Review status: criteria provided, single submitter. Criteria: GeneDx Variant Classification (06012015). Collection method: clinical testing. Allele origin: germline. Affected: yes.
Comment: This variant is considered likely benign or benign based on one or more of the following criteria: it is a conservative change, it occurs at a poorly conserved position in the protein, it is predicted to be benign by multiple in silico algorithms, and/or has population frequency not consistent with disease.

NM_001267550.2(TTN):c.18029-9T>C

Gene: TTN (titin; minus strand). Cytogenetic location: 2q31.2.
Variant type: single nucleotide variant.
Coding change: c.18029-9T>C on transcript NM_001267550.2 (MANE Select); 9 bases into the intron before coding-DNA position 18029, T replaced by C.
Molecular consequence: intron variant.
Genome position (GRCh38, 1-based): chr2:178,730,380, A>G on the plus strand (T>C on the coding strand, the complement: TTN is on the minus strand). VCF-style: chr2-178730380-A-G. GRCh37 (hg19) VCF-style: chr2-179595107-A-G.
Other names: c.13282+7702T>C (NM_003319.4); c.13858+7702T>C (NM_133437.4); c.13657+7702T>C (NM_133432.3); c.14297-9T>C (NM_133378.4); c.17078-9T>C (NM_001256850.1).
Identifiers: ClinVar variation 682485 (VCV000682485.11), dbSNP rs779377464, ClinGen allele CA2001692.